The following is an entry in ClinVar:

ClinVar aggregate classification (germline): Uncertain significance (1 of 4 stars; one submission).

Conditions:
CNTNAP5-related disorder. Also called: CNTNAP5-related condition.

Submission:

PreventionGenetics, part of Exact Sciences
Classification: Uncertain significance for CNTNAP5-related condition. Last evaluated: 2022-11-08. Review status: criteria provided, single submitter. Criteria: ACMG Guidelines, 2015. Collection method: clinical testing. Allele origin: germline.
Comment: The CNTNAP5 c.2873delG variant is predicted to result in a frameshift and premature protein termination (p.Gly958Alafs*61). To our knowledge, this variant has not been reported in the literature or in a large population database, indicating this variant is rare. Loss of function has not been conclusively established as a mechanism for CNTNAP5-related disorder. Although we suspect that this variant may be pathogenic, at this time, the clinical significance of this variant is uncertain due to the absence of conclusive functional and genetic evidence.

NM_001367498.1(CNTNAP5):c.2876del (p.Gly959fs)

Gene: CNTNAP5 (contactin associated protein family member 5; plus strand). Cytogenetic location: 2q14.3.
Variant type: Deletion.
Coding change: c.2876del on transcript NM_001367498.1 (MANE Select); coding-DNA position 2876, one base deleted (G; older notation c.2876delG).
Protein change: p.Gly959fs; shifts the reading frame from glycine 959.
Molecular consequence: frameshift variant.
Genome position (GRCh38, 1-based): chr2:124,790,025, G deleted; the last of 2 consecutive G bases (chr2:124,790,024-124,790,025); deleting either gives the same sequence. VCF-style (leftmost placement, unchanged base first): chr2-124790023-CG-C. GRCh37 (hg19) VCF-style: chr2-125547600-CG-C.
Other names: c.2873del, p.Gly958fs (NM_130773.4); short protein forms G958fs, G959fs.
Identifiers: ClinVar variation 2635396 (VCV002635396.1), dbSNP rs2467393598, ClinGen allele CA2695197013.
Genomic context (GRCh38, chr2:124,790,023, plus strand): 5'-ACAGAAAATGGACCTGGAAGAGAGGGCAAAGGTCACATCTGGAGTCAGGCCAGGCTGCCC[CG>C]GCCACTGCAGCAGCTACGGCAGCATCTGCCACAACGGGGGCAAGTGTGTGGAGAAGCACA-3'